The following is an entry in ClinVar:

NM_015909.4(NBAS):c.789G>A (p.Met263Ile)

Gene: NBAS (NBAS subunit of NRZ tethering complex; minus strand). Cytogenetic location: 2p24.3.
Variant type: single nucleotide variant.
Coding change: c.789G>A on transcript NM_015909.4 (MANE Select); coding-DNA position 789, G replaced by A.
Protein change: p.Met263Ile; replaces methionine 263 with isoleucine.
Molecular consequence: missense variant. On other transcripts: non-coding transcript variant (1).
Genome position (GRCh38, 1-based): chr2:15,511,308, C>T on the plus strand (G>A on the coding strand, the complement: NBAS is on the minus strand). VCF-style: chr2-15511308-C-T. GRCh37 (hg19) VCF-style: chr2-15651432-C-T.
Other names: short protein forms M263I.
Identifiers: ClinVar variation 2113820 (VCV002113820.3), dbSNP rs1558401294, ClinGen allele CA345898610.
Genomic context (GRCh38, chr2:15,511,308, plus strand): 5'-ATAATACGGTGATCCTGAAAGAACTCTCCAGGCAGAAAGGCCACAGCTAGAAGCTTTTGA[C>T]ATGCCTACTTCAGCAGTTTCACATCCACCAACAAGTAAAAGTCTAAAAAGGAGAAAATTT-3'
Protein context (NP_056993.2, residues 253-273): VGGCETAEVG[Met263Ile]SKASSCGLSA

ClinVar aggregate classification (germline): Uncertain significance (1 of 4 stars; one submission).

Allele frequency attached by ClinVar (database versions not stated): gnomAD exomes 0.00001.
gnomAD v4.1: 9 of 1,614,068 alleles (0.00056%); highest among the groups gnomAD compares: East Asian, 0.0022%; no homozygotes.

Submission:

Labcorp Genetics (formerly Invitae), Labcorp
Classification: Uncertain significance. Last evaluated: 2022-05-03. Review status: criteria provided, single submitter. Criteria: Invitae Variant Classification Sherloc (09022015). Collection method: clinical testing. Allele origin: germline.
Comment: In summary, the available evidence is currently insufficient to determine the role of this variant in disease. Therefore, it has been classified as a Variant of Uncertain Significance. Algorithms developed to predict the effect of missense changes on protein structure and function output the following: SIFT: "Deleterious"; PolyPhen-2: "Benign"; Align-GVGD: "Class C0". The isoleucine amino acid residue is found in multiple mammalian species, which suggests that this missense change does not adversely affect protein function. This variant has not been reported in the literature in individuals affected with NBAS-related conditions. This variant is not present in population databases (gnomAD no frequency). This sequence change replaces methionine, which is neutral and non-polar, with isoleucine, which is neutral and non-polar, at codon 263 of the NBAS protein (p.Met263Ile).